The following is an entry in ClinVar:

NM_001319074.4(RAX2):c.320C>T (p.Pro107Leu)

Gene: RAX2 (retina and anterior neural fold homeobox 2; minus strand). Cytogenetic location: 19p13.3.
Variant type: single nucleotide variant.
Coding change: c.320C>T on transcript NM_001319074.4 (MANE Select); coding-DNA position 320, C replaced by T.
Protein change: p.Pro107Leu; replaces proline 107 with leucine.
Molecular consequence: missense variant.
Genome position (GRCh38, 1-based): chr19:3,770,856, G>A on the plus strand (C>T on the coding strand, the complement: RAX2 is on the minus strand). VCF-style: chr19-3770856-G-A. GRCh37 (hg19) VCF-style: chr19-3770854-G-A.
Other names: c.320C>T, p.Pro107Leu (NM_032753.4); short protein forms P107L.
Identifiers: ClinVar variation 889124 (VCV000889124.6), dbSNP rs774846243, ClinGen allele CA403374795.

ClinVar aggregate classification (germline): Uncertain significance. Review status: criteria provided, multiple submitters, no conflicts (2 of 4 stars). 3 submissions from 2 submitters: Uncertain significance (3). Last evaluated 2024-04-16.

Conditions:
Cone-rod dystrophy 11 (CORD11). Identifiers: Orphanet 1872, MedGen C1835865, MONDO:0012483, OMIM 610381.
Age related macular degeneration 6. Identifiers: MedGen C3151060, MONDO:0013406, OMIM 613757.

Allele frequency attached by ClinVar (database versions not stated): gnomAD 0.00001; TOPMed 0.00001.
gnomAD v4.1: 5 of 1,530,590 alleles (0.00033%); highest among the groups gnomAD compares: African/African-American, 0.0014%; no homozygotes.

Submissions (3):

Labcorp Genetics (formerly Invitae), Labcorp
Classification: Uncertain significance. Last evaluated: 2024-04-16. Review status: criteria provided, single submitter. Criteria: Invitae Variant Classification Sherloc (09022015). Collection method: clinical testing. Allele origin: germline.
Comment: This sequence change replaces proline, which is neutral and non-polar, with leucine, which is neutral and non-polar, at codon 107 of the RAX2 protein (p.Pro107Leu). This variant is not present in population databases (gnomAD no frequency). This variant has not been reported in the literature in individuals affected with RAX2-related conditions. ClinVar contains an entry for this variant (Variation ID: 889124). Algorithms developed to predict the effect of missense changes on protein structure and function output the following: SIFT: "Not Available"; PolyPhen-2: "Probably Damaging"; Align-GVGD: "Not Available". The leucine amino acid residue is found in multiple mammalian species, which suggests that this missense change does not adversely affect protein function. In summary, the available evidence is currently insufficient to determine the role of this variant in disease. Therefore, it has been classified as a Variant of Uncertain Significance.

Illumina Laboratory Services, Illumina
Classification: Uncertain significance for Cone-rod dystrophy 11. Last evaluated: 2018-01-13. Review status: criteria provided, single submitter. Criteria: ICSL Variant Classification Criteria 13 December 2019. Collection method: clinical testing. Allele origin: germline.

Illumina Laboratory Services, Illumina
Classification: Uncertain significance for Age related macular degeneration 6. Last evaluated: 2018-01-13. Review status: criteria provided, single submitter. Criteria: ICSL Variant Classification Criteria 13 December 2019. Collection method: clinical testing. Allele origin: germline.